The following is an entry in ClinVar:

NM_031471.6(FERMT3):c.1301G>A (p.Arg434Gln)

Gene: FERMT3 (FERM domain containing kindlin 3; plus strand). Cytogenetic location: 11q13.1.
Variant type: single nucleotide variant.
Coding change: c.1301G>A on transcript NM_031471.6 (MANE Select); coding-DNA position 1301, G replaced by A.
Protein change: p.Arg434Gln; replaces arginine 434 with glutamine.
Molecular consequence: missense variant.
Genome position (GRCh38, 1-based): chr11:64,220,316, G>A. VCF-style: chr11-64220316-G-A. GRCh37 (hg19) VCF-style: chr11-63987788-G-A.
Other names: c.1301G>A, p.Arg434Gln (NM_001382361.1, NM_001382448.1); c.1313G>A, p.Arg438Gln (NM_001382362.1, NM_178443.3); c.761G>A, p.Arg254Gln (NM_001382363.1); c.773G>A, p.Arg258Gln (NM_001382364.1); short protein forms R258Q, R438Q, R254Q, R434Q.
Identifiers: ClinVar variation 957800 (VCV000957800.7), dbSNP rs767054440, ClinGen allele CA6069106.
Genomic context (GRCh38, chr11:64,220,316, plus strand): 5'-AGAAGTTCTGCATTAAACTCCTAGTGCCCTCCCCTGAGGGCATGAGTGAGATCTACCTGC[G>A]GTGCCAGGATGTGAGTGAGGGCTGGGCAGGGGCCAGGGCCGGGCAGGAGCTGGGGCAGGG-3'
Protein context (NP_113659.3, residues 424-444): SPEGMSEIYL[Arg434Gln]CQDEQQYARW

ClinVar aggregate classification (germline): Uncertain significance (1 of 4 stars; one submission).

Conditions:
Leukocyte adhesion deficiency 3. Also called: Leukocyte adhesion deficiency, type III; INTEGRIN ACTIVATION DEFICIENCY DISEASE; LEUKOCYTE ADHESION DEFICIENCY 1 VARIANT. Identifiers: Orphanet 2968, Orphanet 99844, MedGen C2748536, MONDO:0013016, OMIM 612840.

Allele frequency attached by ClinVar (database versions not stated): ExAC 0.00001; gnomAD 0.00001; TOPMed 0.00002.

Submission:

Labcorp Genetics (formerly Invitae), Labcorp
Classification: Uncertain significance for Leukocyte adhesion deficiency 3. Last evaluated: 2021-08-24. Review status: criteria provided, single submitter. Criteria: Invitae Variant Classification Sherloc (09022015). Collection method: clinical testing. Allele origin: germline.
Comment: This sequence change replaces arginine with glutamine at codon 434 of the FERMT3 protein (p.Arg434Gln). The arginine residue is highly conserved and there is a small physicochemical difference between arginine and glutamine. This variant is present in population databases (rs767054440, ExAC 0.002%). This variant has not been reported in the literature in individuals affected with FERMT3-related conditions. Algorithms developed to predict the effect of missense changes on protein structure and function are either unavailable or do not agree on the potential impact of this missense change (SIFT: "Deleterious"; PolyPhen-2: "Probably Damaging"; Align-GVGD: "Class C0"). Algorithms developed to predict the effect of sequence changes on RNA splicing suggest that this variant may create or strengthen a splice site. In summary, the available evidence is currently insufficient to determine the role of this variant in disease. Therefore, it has been classified as a Variant of Uncertain Significance.